The following is an entry in ClinVar:

ClinVar aggregate classification (germline): Uncertain significance (1 of 4 stars; one submission).

Allele frequency attached by ClinVar (database versions not stated): gnomAD exomes below 0.00001 and 0.00002.
gnomAD v4.1: 23 of 1,612,980 alleles (0.0014%); highest among the groups gnomAD compares: Non-Finnish European, 0.002%; no homozygotes.

Submission:

Labcorp Genetics (formerly Invitae), Labcorp
Classification: Uncertain significance. Last evaluated: 2021-12-19. Review status: criteria provided, single submitter. Criteria: Invitae Variant Classification Sherloc (09022015). Collection method: clinical testing. Allele origin: germline.
Comment: This sequence change replaces isoleucine, which is neutral and non-polar, with valine, which is neutral and non-polar, at codon 186 of the HPS3 protein (p.Ile186Val). This variant is present in population databases (no rsID available, gnomAD 0.0009%). This variant has not been reported in the literature in individuals affected with HPS3-related conditions. Algorithms developed to predict the effect of missense changes on protein structure and function are either unavailable or do not agree on the potential impact of this missense change (SIFT: "Tolerated"; PolyPhen-2: "Possibly Damaging"; Align-GVGD: "Class C0"). In summary, the available evidence is currently insufficient to determine the role of this variant in disease. Therefore, it has been classified as a Variant of Uncertain Significance.

NM_032383.5(HPS3):c.556A>G (p.Ile186Val)

Gene: HPS3 (HPS3 biogenesis of lysosomal organelles complex 2 subunit 1; plus strand). Cytogenetic location: 3q24.
Variant type: single nucleotide variant.
Coding change: c.556A>G on transcript NM_032383.5 (MANE Select); coding-DNA position 556, A replaced by G.
Protein change: p.Ile186Val; replaces isoleucine 186 with valine.
Molecular consequence: missense variant. On other transcripts: intron variant (1).
Genome position (GRCh38, 1-based): chr3:149,140,342, A>G. VCF-style: chr3-149140342-A-G. GRCh37 (hg19) VCF-style: chr3-148858129-A-G.
Other names: c.218-675A>G (NM_001308258.2); short protein forms I186V.
Identifiers: ClinVar variation 1487657 (VCV001487657.6), dbSNP rs1396242829, ClinGen allele CA354912311.
Genomic context (GRCh38, chr3:149,140,342, plus strand): 5'-ATTAATGAGGAATTCTCACTATTGGACTTTGAACGTTCTTTAATTATACACATAGATAAT[A>G]TCACTCCTGTTGAGGTTTCTTTTTGTGTTGGATATGTTGCTGTCATGTCAGACTTAGAAG-3'
Protein context (NP_115759.2, residues 176-196): ERSLIIHIDN[Ile186Val]TPVEVSFCVG